The following is an entry in ClinVar:

NM_016580.4(PCDH12):c.2062C>T (p.Arg688Ter)

Genes: PCDH12 (protocadherin 12; minus strand), RNF14 (ring finger protein 14; plus strand). Cytogenetic location: 5q31.3.
Variant type: single nucleotide variant.
Coding change: c.2062C>T on transcript NM_016580.4 (MANE Select); coding-DNA position 2062, C replaced by T.
Protein change: p.Arg688Ter; replaces arginine 688 with a stop codon.
Molecular consequence: nonsense.
Genome position (GRCh38, 1-based): chr5:141,955,790, G>A on the plus strand (C>T on the coding strand, the complement: PCDH12 is on the minus strand). VCF-style: chr5-141955790-G-A. GRCh37 (hg19) VCF-style: chr5-141335355-G-A.
Other names: short protein forms R688*.
Identifiers: ClinVar variation 4282439 (VCV004282439.1).
Genomic context (GRCh38, chr5:141,955,790, plus strand): 5'-TGCGGGCTGAGTCCCTCAGGTGGTCCACACTGGTGACAAACATGACCCTCAACAGGGCTC[G>A]GGTCTGTAAGGGGGGGCTTCCCTGGTCCTCTACTACTATCTCCAGCTCCCACTCACTCCC-3'

ClinVar aggregate classification (germline): Pathogenic (1 of 4 stars; one submission).

gnomAD v4.1: 22 of 1,613,620 alleles (0.0014%); highest among the groups gnomAD compares: African/African-American, 0.0027%; no homozygotes.

Submission:

GeneDx
Classification: Pathogenic. Last evaluated: 2025-04-06. Review status: criteria provided, single submitter. Criteria: GeneDx Variant Classification Process June 2021. Collection method: clinical testing. Allele origin: germline. Affected: yes.
Comment: Nonsense variant predicted to result in protein truncation or nonsense mediated decay in a gene for which loss of function is a known mechanism of disease; Has not been previously published as pathogenic or benign to our knowledge